The following is an entry in ClinVar:

NM_139318.5(KCNH5):c.2405G>T (p.Arg802Ile)

Gene: KCNH5 (potassium voltage-gated channel subfamily H member 5; minus strand). Cytogenetic location: 14q23.2.
Variant type: single nucleotide variant.
Coding change: c.2405G>T on transcript NM_139318.5 (MANE Select); coding-DNA position 2405, G replaced by T.
Protein change: p.Arg802Ile; replaces arginine 802 with isoleucine.
Molecular consequence: missense variant. On other transcripts: 3 prime UTR variant (1).
Genome position (GRCh38, 1-based): chr14:62,708,070, C>A on the plus strand (G>T on the coding strand, the complement: KCNH5 is on the minus strand). VCF-style: chr14-62708070-C-A. GRCh37 (hg19) VCF-style: chr14-63174788-C-A.
Other names: c.*372G>T (NM_172375.3); short protein forms R802I.
Identifiers: ClinVar variation 4802000 (VCV004802000.1).

ClinVar aggregate classification (germline): Uncertain significance (1 of 4 stars; one submission).

Conditions:
Early-infantile DEE. Also called: Early infantile epileptic encephalopathy; Early infantile epileptic encephalopathy with suppression bursts; Ohtahara syndrome. Identifiers: Orphanet 1934, MedGen C0393706, MONDO:0800491.

Submission:

Labcorp Genetics (formerly Invitae), Labcorp
Classification: Uncertain significance for Early-infantile DEE. Last evaluated: 2025-06-09. Review status: criteria provided, single submitter. Criteria: Invitae Variant Classification Sherloc (09022015). Collection method: clinical testing. Allele origin: germline.
Comment: This sequence change replaces arginine, which is basic and polar, with isoleucine, which is neutral and non-polar, at codon 802 of the KCNH5 protein (p.Arg802Ile). This variant is not present in population databases (gnomAD no frequency). This variant has not been reported in the literature in individuals affected with KCNH5-related conditions. Invitae Evidence Modeling of protein sequence and biophysical properties (such as structural, functional, and spatial information, amino acid conservation, physicochemical variation, residue mobility, and thermodynamic stability) indicates that this missense variant is not expected to disrupt KCNH5 protein function with a negative predictive value of 95%. In summary, the available evidence is currently insufficient to determine the role of this variant in disease. Therefore, it has been classified as a Variant of Uncertain Significance.